The following is an entry in ClinVar:

NC_012920.1(MT-ND2):m.4776G>A

Gene: MT-ND2 (mitochondrially encoded NADH dehydrogenase 2; plus strand).
Variant type: single nucleotide variant.
Genome position: chrM-4776-G-A.
Identifiers: ClinVar variation 692505 (VCV000692505.1), dbSNP rs1603219623, ClinGen allele CA414775733.

ClinVar aggregate classification (germline): Uncertain significance (1 of 4 stars; one submission).

Conditions:
Leigh syndrome (NULS). Also called: Leigh's necrotizing encephalopathy; Leigh's disease; Leigh Syndrome (mtDNA deletion); Leigh Disease; Subacute necrotizing encephalopathy; Necrotizing encephalopathy infantile subacute of Leigh. Identifiers: Orphanet 506, MedGen C2931891, MONDO:0009723, OMIM 256000.

Submission:

Wong Mito Lab, Molecular and Human Genetics, Baylor College of Medicine
Classification: Uncertain significance for Leigh syndrome. Last evaluated: 2019-10-17. Review status: criteria provided, single submitter. Criteria: Modified ACMG Guidelines (Unpublished). Collection method: clinical testing. Allele origin: germline.
Comment: The NC_012920.1:m.4776G>A (YP_003024027.1:p.Ala103Thr) variant in MTND2 gene is interpretated to be a Uncertain Significance variant based on the modified ACMG guidelines (unpublished). This variant meets the following evidence codes: PP6, BP4